The following is an entry in ClinVar:

ClinVar aggregate classification (germline): Uncertain significance (1 of 4 stars; one submission).

Conditions:
Hereditary cancer-predisposing syndrome. Also called: Tumor predisposition; Hereditary neoplastic syndrome; Hereditary Cancer Syndrome; Neoplastic Syndromes, Hereditary. Identifiers: Orphanet 140162, MedGen C0027672, MeSH D009386, MONDO:0015356.

Submission:

Ambry Genetics
Classification: Uncertain significance for Hereditary cancer-predisposing syndrome. Last evaluated: 2025-04-03. Review status: criteria provided, single submitter. Criteria: Ambry Variant Classification Scheme 2023. Collection method: clinical testing. Allele origin: germline.
Comment: The p.R313K variant (also known as c.938G>A), located in coding exon 7 of the RAD50 gene, results from a G to A substitution at nucleotide position 938. The arginine at codon 313 is replaced by lysine, an amino acid with highly similar properties. This amino acid position is conserved. In addition, this alteration is predicted to be tolerated by in silico analysis. Based on the available evidence, the clinical significance of this variant remains unclear.

NM_005732.4(RAD50):c.938G>A (p.Arg313Lys)

Gene: RAD50 (RAD50 double strand break repair protein; plus strand). Cytogenetic location: 5q31.1.
Variant type: single nucleotide variant.
Coding change: c.938G>A on transcript NM_005732.4 (MANE Select); coding-DNA position 938, G replaced by A.
Protein change: p.Arg313Lys; replaces arginine 313 with lysine.
Molecular consequence: missense variant.
Genome position (GRCh38, 1-based): chr5:132,587,976, G>A. VCF-style: chr5-132587976-G-A. GRCh37 (hg19) VCF-style: chr5-131923668-G-A.
Other names: short protein forms R313K.
Identifiers: ClinVar variation 3942162 (VCV003942162.1).